The following is an entry in ClinVar:

NM_000182.5(HADHA):c.*331T>C

Genes: GAREM2 (GRB2 associated regulator of MAPK1 subtype 2; plus strand), HADHA (hydroxyacyl-CoA dehydrogenase trifunctional multienzyme complex subunit alpha; minus strand). Cytogenetic location: 2p23.3.
Variant type: single nucleotide variant.
Coding change: c.*331T>C on transcript NM_000182.5 (MANE Select); 331 bases downstream of the stop codon, T replaced by C.
Molecular consequence: 3 prime UTR variant.
Genome position (GRCh38, 1-based): chr2:26,190,919, A>G on the plus strand (T>C on the coding strand, the complement: HADHA is on the minus strand). VCF-style: chr2-26190919-A-G. GRCh37 (hg19) VCF-style: chr2-26413788-A-G.
Identifiers: ClinVar variation 898690 (VCV000898690.4), dbSNP rs189483687, ClinGen allele CA44375929.
Genomic context (GRCh38, chr2:26,190,919, plus strand): 5'-AGGGCAAAGATGCTGACACAGAGTTTGGTTTTTATTGTTATGTGTTTGGCTGGGTGCAGA[A>G]CTGCCCTCACCACCCCTGGCCACCCTGGCCTCTTGGGAGGAACAGGCAGAGAGGTGGCTT-3'

ClinVar aggregate classification (germline): Benign. Review status: criteria provided, single submitter (1 of 4 stars). 2 submissions from 1 submitter: Benign (2). Last evaluated 2018-01-13.

Conditions:
Long chain 3-hydroxyacyl-CoA dehydrogenase deficiency. Also called: Deficiency of long-chain 3-hydroxyacyl-coenzyme A dehydrogenase; LCHAD Deficiency. Identifiers: Orphanet 5, MedGen C3711645, MONDO:0012173, OMIM 609016.
Mitochondrial trifunctional protein deficiency. Identifiers: Orphanet 746, MedGen C1969443, MONDO:0012172.

Allele frequency attached by ClinVar (database versions not stated): gnomAD exomes 0.00059; 1000 Genomes Project 0.00459; gnomAD 0.00466 and 0.00500; 1000 Genomes Project 30x 0.00484; TOPMed 0.00535.
gnomAD v4.1: 889 of 469,552 alleles (0.19%); highest among the groups gnomAD compares: African/African-American, 1.7%; 4 homozygotes.

Submissions (2):

Illumina Laboratory Services, Illumina
Classification: Benign for Mitochondrial trifunctional protein deficiency 1. Last evaluated: 2018-01-13. Review status: criteria provided, single submitter. Criteria: ICSL Variant Classification Criteria 13 December 2019. Collection method: clinical testing. Allele origin: germline.
Comment: This variant was observed in the ICSL laboratory as part of a predisposition screen in an ostensibly healthy population. It had not been previously curated by ICSL or reported in the Human Gene Mutation Database (HGMD: prior to June 1st, 2018), and was therefore a candidate for classification through an automated scoring system. Utilizing variant allele frequency, disease prevalence and penetrance estimates, and inheritance mode, an automated score was calculated to assess if this variant is too frequent to cause the disease. Based on the score and internal cut-off values, a variant classified as benign is not then subjected to further curation. The score for this variant resulted in a classification of benign for this disease.

Illumina Laboratory Services, Illumina
Classification: Benign for Long chain 3-hydroxyacyl-CoA dehydrogenase deficiency. Last evaluated: 2018-01-13. Review status: criteria provided, single submitter. Criteria: ICSL Variant Classification Criteria 13 December 2019. Collection method: clinical testing. Allele origin: germline.
Comment: the same text as in the submission from Illumina Laboratory Services, Illumina above.